The following is an entry in ClinVar:

NM_006267.5(RANBP2):c.6043C>G (p.Pro2015Ala)

Gene: RANBP2 (RAN binding protein 2; plus strand). Cytogenetic location: 2q13.
Variant type: single nucleotide variant.
Coding change: c.6043C>G on transcript NM_006267.5 (MANE Select); coding-DNA position 6043, C replaced by G.
Protein change: p.Pro2015Ala; replaces proline 2015 with alanine.
Molecular consequence: missense variant.
Genome position (GRCh38, 1-based): chr2:108,766,582, C>G. VCF-style: chr2-108766582-C-G. GRCh37 (hg19) VCF-style: chr2-109383038-C-G.
Other names: c.6043C>G, p.Pro2015Ala (NM_001415871.1, NM_001415873.1); c.6040C>G, p.Pro2014Ala (NM_001415872.1); short protein forms P2014A, P2015A.
Identifiers: ClinVar variation 3363937 (VCV003363937.1).

ClinVar aggregate classification (germline): Uncertain significance (1 of 4 stars; one submission).

gnomAD v4.1: 11 of 1,611,720 alleles (0.00068%); highest among the groups gnomAD compares: Non-Finnish European, 0.00093%; no homozygotes.

Submission:

GeneDx
Classification: Uncertain significance. Last evaluated: 2023-11-12. Review status: criteria provided, single submitter. Criteria: GeneDx Variant Classification Process June 2021. Collection method: clinical testing. Allele origin: germline. Affected: yes.
Comment: Not observed at significant frequency in large population cohorts (gnomAD); In silico analysis supports that this missense variant has a deleterious effect on protein structure/function; Has not been previously published as pathogenic or benign to our knowledge